The following is an entry in ClinVar:

ClinVar aggregate classification (germline): Uncertain significance (1 of 4 stars; one submission).

Submission:

GeneDx
Classification: Uncertain significance. Last evaluated: 2024-03-25. Review status: criteria provided, single submitter. Criteria: GeneDx Variant Classification Process June 2021. Collection method: clinical testing. Allele origin: germline. Affected: yes.
Comment: Not observed at significant frequency in large population cohorts (gnomAD); In silico analysis supports that this missense variant does not alter protein structure/function; Has not been previously published as pathogenic or benign to our knowledge

NM_015001.3(SPEN):c.10717T>C (p.Tyr3573His)

Gene: SPEN (spen family transcriptional repressor; plus strand). Cytogenetic location: 1p36.13.
Variant type: single nucleotide variant.
Coding change: c.10717T>C on transcript NM_015001.3 (MANE Select); coding-DNA position 10717, T replaced by C.
Protein change: p.Tyr3573His; replaces tyrosine 3573 with histidine.
Molecular consequence: missense variant.
Genome position (GRCh38, 1-based): chr1:15,938,730, T>C. VCF-style: chr1-15938730-T-C. GRCh37 (hg19) VCF-style: chr1-16265225-T-C.
Other names: short protein forms Y3573H.
Identifiers: ClinVar variation 3371580 (VCV003371580.1).